The following is an entry in ClinVar:

NM_001083614.2(EARS2):c.*1498A>G

Genes: EARS2 (glutamyl-tRNA synthetase 2, mitochondrial; minus strand), GGA2 (golgi associated, gamma adaptin ear containing, ARF binding protein 2; minus strand). Cytogenetic location: 16p12.2.
Variant type: single nucleotide variant.
Coding change: c.*1498A>G on transcript NM_001083614.2 (MANE Select); 1498 bases downstream of the stop codon, A replaced by G.
Molecular consequence: 3 prime UTR variant. On other transcripts: non-coding transcript variant (1).
Genome position (GRCh38, 1-based): chr16:23,522,873, T>C on the plus strand (A>G on the coding strand, the complement: EARS2 is on the minus strand). VCF-style: chr16-23522873-T-C. GRCh37 (hg19) VCF-style: chr16-23534194-T-C.
Identifiers: ClinVar variation 318517 (VCV000318517.5), dbSNP rs113477773, ClinGen allele CA10648146.
Genomic context (GRCh38, chr16:23,522,873, plus strand): 5'-CCCATAGAGGTCACAAGCGAGATCAGCTAGGATTGCGGTCATGTGAATGCTTGGCTGGAA[T>C]TGAAGGACCAGCTTTCAAGATTGCACACTCCCATGGCTATTGGTGGGAGGCCTCGATCCC-3'

ClinVar aggregate classification (germline): Benign (1 of 4 stars; one submission).

Conditions:
Leukoencephalopathy-thalamus and brainstem anomalies-high lactate syndrome. Also called: LEUKOENCEPHALOPATHY WITH THALAMUS AND BRAINSTEM INVOLVEMENT AND HIGH LACTATE; Combined oxidative phosphorylation deficiency 12. Identifiers: Orphanet 314051, MedGen C4706421, MONDO:0013971, OMIM 614924.

Allele frequency attached by ClinVar (database versions not stated): gnomAD 0.01470 and 0.01479; 1000 Genomes Project 0.01518; 1000 Genomes Project 30x 0.01577; TOPMed 0.01578.

Submission:

Illumina Laboratory Services, Illumina
Classification: Benign for Leukoencephalopathy-thalamus and brainstem anomalies-high lactate syndrome. Last evaluated: 2018-01-13. Review status: criteria provided, single submitter. Criteria: ICSL Variant Classification Criteria 13 December 2019. Collection method: clinical testing. Allele origin: germline.
Comment: This variant was observed in the ICSL laboratory as part of a predisposition screen in an ostensibly healthy population. It had not been previously curated by ICSL or reported in the Human Gene Mutation Database (HGMD: prior to June 1st, 2018), and was therefore a candidate for classification through an automated scoring system. Utilizing variant allele frequency, disease prevalence and penetrance estimates, and inheritance mode, an automated score was calculated to assess if this variant is too frequent to cause the disease. Based on the score and internal cut-off values, a variant classified as benign is not then subjected to further curation. The score for this variant resulted in a classification of benign for this disease.